The following is an entry in ClinVar:

NM_004260.4(RECQL4):c.3569T>G (p.Leu1190Arg)

Gene: RECQL4 (RecQ like helicase 4; minus strand). Cytogenetic location: 8q24.3.
Variant type: single nucleotide variant.
Coding change: c.3569T>G on transcript NM_004260.4 (MANE Select); coding-DNA position 3569, T replaced by G.
Protein change: p.Leu1190Arg; replaces leucine 1190 with arginine.
Molecular consequence: missense variant.
Genome position (GRCh38, 1-based): chr8:144,511,489, A>C on the plus strand (T>G on the coding strand, the complement: RECQL4 is on the minus strand). VCF-style: chr8-144511489-A-C. GRCh37 (hg19) VCF-style: chr8-145736872-A-C.
Other names: c.3275T>G, p.Leu1092Arg (NM_001413017.1); c.3371T>G, p.Leu1124Arg (NM_001413018.1); c.3644T>G, p.Leu1215Arg (NM_001413019.1); c.3473T>G, p.Leu1158Arg (NM_001413020.1); c.2498T>G, p.Leu833Arg (NM_001413021.1, NM_001413022.1, NM_001413024.1 and 4 more transcripts); c.2573T>G, p.Leu858Arg (NM_001413023.1); c.3440T>G, p.Leu1147Arg (NM_001413025.1); c.2432T>G, p.Leu811Arg (NM_001413027.1, NM_001413030.1, NM_001413032.1); and 9 more; short protein forms L1146R, L1092R, L1180R, L1190R, L1215R, L823R, L858R, L1073R.
Identifiers: ClinVar variation 2201514 (VCV002201514.4), dbSNP rs752487649, ClinGen allele CA372665780.
Genomic context (GRCh38, chr8:144,511,489, plus strand): 5'-AGTCAGCGGGCCACCTGCAGGAGCTCTTCCGTGGCCAGGCCCACCAGGGCATGGAAGCTC[A>C]GGTGCAGGTATTTTCTCCAGAAGCGTCGGTCCTGCCCGTACACCTGGGCCGGGTAGCAGG-3'
Protein context (NP_004251.4, residues 1180-1200): DRRFWRKYLH[Leu1190Arg]SFHALVGLAT

ClinVar aggregate classification (germline): Uncertain significance (1 of 4 stars; one submission).

Conditions:
Baller-Gerold syndrome (BGS). Also called: CRANIOSYNOSTOSIS WITH RADIAL DEFECTS. Identifiers: Orphanet 1225, MedGen C0265308, MONDO:0009039, OMIM 218600.

Submission:

Labcorp Genetics (formerly Invitae), Labcorp
Classification: Uncertain significance for Baller-Gerold syndrome. Last evaluated: 2022-03-16. Review status: criteria provided, single submitter. Criteria: Invitae Variant Classification Sherloc (09022015). Collection method: clinical testing. Allele origin: germline.
Comment: In summary, the available evidence is currently insufficient to determine the role of this variant in disease. Therefore, it has been classified as a Variant of Uncertain Significance. Experimental studies and prediction algorithms are not available or were not evaluated, and the functional significance of this variant is currently unknown. This variant has not been reported in the literature in individuals affected with RECQL4-related conditions. This variant is not present in population databases (gnomAD no frequency). This sequence change replaces leucine, which is neutral and non-polar, with arginine, which is basic and polar, at codon 1190 of the RECQL4 protein (p.Leu1190Arg).